The following is an entry in ClinVar:

ClinVar aggregate classification (germline): Likely benign (0 of 4 stars; one submission).

Conditions:
UBR4-related disorder. Also called: UBR4-related condition.

Allele frequency attached by ClinVar (database versions not stated): gnomAD 0.00015; 1000 Genomes Project 30x 0.00016; 1000 Genomes Project 0.00020; TOPMed 0.00048.
gnomAD v4.1: 58 of 1,614,198 alleles (0.0036%); highest among the groups gnomAD compares: Admixed American, 0.062%; no homozygotes.

Submission:

PreventionGenetics, part of Exact Sciences
Classification: Likely benign for UBR4-related condition. Last evaluated: 2019-05-16. Review status: no assertion criteria provided. Collection method: clinical testing. Allele origin: germline.
Comment: This variant is classified as likely benign based on ACMG/AMP sequence variant interpretation guidelines (Richards et al. 2015 PMID: 25741868, with internal and published modifications).

NM_020765.3(UBR4):c.3987C>T (p.Ile1329=)

Gene: UBR4 (ubiquitin protein ligase E3 component n-recognin 4; minus strand). Cytogenetic location: 1p36.13.
Variant type: single nucleotide variant.
Coding change: c.3987C>T on transcript NM_020765.3 (MANE Select); coding-DNA position 3987, C replaced by T.
Protein change: p.Ile1329=; no amino-acid change (isoleucine 1329 retained).
Molecular consequence: synonymous variant.
Genome position (GRCh38, 1-based): chr1:19,167,144, G>A on the plus strand (C>T on the coding strand, the complement: UBR4 is on the minus strand). VCF-style: chr1-19167144-G-A. GRCh37 (hg19) VCF-style: chr1-19493638-G-A.
Identifiers: ClinVar variation 3042181 (VCV003042181.2), dbSNP rs540451150, ClinGen allele CA650967.